The following is an entry in ClinVar:

NM_004208.4(AIFM1):c.1020G>T (p.Met340Ile)

Genes: AIFM1 (apoptosis inducing factor mitochondria associated 1; minus strand), RAB33A (RAB33A, member RAS oncogene family; plus strand). Cytogenetic location: Xq26.1.
Variant type: single nucleotide variant.
Coding change: c.1020G>T on transcript NM_004208.4 (MANE Select); coding-DNA position 1020, G replaced by T.
Protein change: p.Met340Ile; replaces methionine 340 with isoleucine.
Molecular consequence: missense variant. On other transcripts: initiator codon variant (1), 3 prime UTR variant (1), non-coding transcript variant (1).
Genome position (GRCh38, 1-based): chrX:130,137,133, C>A on the plus strand (G>T on the coding strand, the complement: AIFM1 is on the minus strand). VCF-style: chrX-130137133-C-A. GRCh37 (hg19) VCF-style: chrX-129271108-C-A.
Other names: c.3G>T, p.Met1Ile (NM_001130846.4); c.*248G>T (NM_001130847.4); c.1008G>T, p.Met336Ile (NM_145812.3); short protein forms M1I, M336I, M340I.
Identifiers: ClinVar variation 2136048 (VCV002136048.5), dbSNP rs2523120985, ClinGen allele CA414579707.

ClinVar aggregate classification (germline): Conflicting classifications of pathogenicity. Review status: criteria provided, conflicting classifications (1 of 4 stars). 2 submissions from 2 submitters: Likely pathogenic (1); Uncertain significance (1). Last evaluated 2023-03-13.

Conditions:
Combined oxidative phosphorylation deficiency. Identifiers: MedGen C4540031, MONDO:0000732.
Charcot-Marie-Tooth Neuropathy X. Identifiers: MedGen CN118851.

Submissions (2):

Labcorp Genetics (formerly Invitae), Labcorp
Classification: Likely pathogenic for Charcot-Marie-Tooth Neuropathy X; Combined oxidative phosphorylation deficiency. Last evaluated: 2023-03-13. Review status: criteria provided, single submitter. Criteria: Invitae Variant Classification Sherloc (09022015). Collection method: clinical testing. Allele origin: germline.
Comment: ClinVar contains an entry for this variant (Variation ID: 2136048). Advanced modeling of protein sequence and biophysical properties (such as structural, functional, and spatial information, amino acid conservation, physicochemical variation, residue mobility, and thermodynamic stability) performed at Invitae indicates that this missense variant is expected to disrupt AIFM1 protein function. This variant disrupts the p.Met340 amino acid residue in AIFM1. Other variant(s) that disrupt this residue have been determined to be pathogenic (PMID: 25590979, 28967629, 31523922). This suggests that this residue is clinically significant, and that variants that disrupt this residue are likely to be disease-causing. In summary, the currently available evidence indicates that the variant is pathogenic, but additional data are needed to prove that conclusively. Therefore, this variant has been classified as Likely Pathogenic. This variant has not been reported in the literature in individuals affected with AIFM1-related conditions. This sequence change replaces methionine, which is neutral and non-polar, with isoleucine, which is neutral and non-polar, at codon 340 of the AIFM1 protein (p.Met340Ile). This variant is not present in population databases (gnomAD no frequency).

GeneDx
Classification: Uncertain significance. Last evaluated: 2022-07-21. Review status: criteria provided, single submitter. Criteria: GeneDx Variant Classification Process June 2021. Collection method: clinical testing. Allele origin: germline. Affected: yes.
Comment: Not observed at significant frequency in large population cohorts (gnomAD); In silico analysis supports that this missense variant has a deleterious effect on protein structure/function; Has not been previously published as pathogenic or benign to our knowledge

Literature cited by the submitters: PubMed 25590979 (cited by Labcorp Genetics (formerly Invitae), Labcorp); PubMed 28967629 (cited by Labcorp Genetics (formerly Invitae), Labcorp); PubMed 31523922 (cited by Labcorp Genetics (formerly Invitae), Labcorp).